The following is an entry in ClinVar:

NM_004612.4(TGFBR1):c.117C>A (p.His39Gln)

Gene: TGFBR1 (transforming growth factor beta receptor 1; plus strand). Cytogenetic location: 9q22.33.
Variant type: single nucleotide variant.
Coding change: c.117C>A on transcript NM_004612.4 (MANE Select); coding-DNA position 117, C replaced by A.
Protein change: p.His39Gln; replaces histidine 39 with glutamine.
Molecular consequence: missense variant. On other transcripts: 5 prime UTR variant (15), non-coding transcript variant (4), intron variant (3).
Genome position (GRCh38, 1-based): chr9:99,128,874, C>A. VCF-style: chr9-99128874-C-A. GRCh37 (hg19) VCF-style: chr9-101891156-C-A.
Other names: c.117C>A, p.His39Gln (NM_001130916.3, NM_001306210.2, NM_001407416.1 and 2 more transcripts); c.-91C>A (NM_001407418.1, NM_001407419.1, NM_001407420.1 and 12 more transcripts); c.98-3635C>A (NM_001407436.1); c.98-8985C>A (NM_001407438.1); c.98-13662C>A (NM_001407437.1); short protein forms H39Q.
Identifiers: ClinVar variation 2725869 (VCV002725869.3), dbSNP rs1480867762, ClinGen allele CA374224996.
Genomic context (GRCh38, chr9:99,128,874, plus strand): 5'-TAACCTTGAGATTTTTTCTAAGAATCTTTCTCTTTTTCCAGCGTTACAGTGTTTCTGCCA[C>A]CTCTGTACAAAAGACAATTTTACTTGTGTGACAGATGGGCTCTGCTTTGTCTCTGTCACA-3'
Protein context (NP_004603.1, residues 29-49): PGATALQCFC[His39Gln]LCTKDNFTCV

ClinVar aggregate classification (germline): Uncertain significance (1 of 4 stars; one submission).

Conditions:
Familial thoracic aortic aneurysm and aortic dissection (TAAD). Also called: Thoracic aortic aneurysms and dissections. Identifiers: Orphanet 91387, MedGen C4707243, MONDO:0019625.

Submission:

Labcorp Genetics (formerly Invitae), Labcorp
Classification: Uncertain significance for Familial thoracic aortic aneurysm and aortic dissection. Last evaluated: 2023-09-23. Review status: criteria provided, single submitter. Criteria: Invitae Variant Classification Sherloc (09022015). Collection method: clinical testing. Allele origin: germline.
Comment: This sequence change replaces histidine, which is basic and polar, with glutamine, which is neutral and polar, at codon 39 of the TGFBR1 protein (p.His39Gln). This variant is not present in population databases (gnomAD no frequency). This variant has not been reported in the literature in individuals affected with TGFBR1-related conditions. Advanced modeling of protein sequence and biophysical properties (such as structural, functional, and spatial information, amino acid conservation, physicochemical variation, residue mobility, and thermodynamic stability) performed at Invitae indicates that this missense variant is not expected to disrupt TGFBR1 protein function. In summary, the available evidence is currently insufficient to determine the role of this variant in disease. Therefore, it has been classified as a Variant of Uncertain Significance.